The following is an entry in ClinVar:

ClinVar aggregate classification (germline): Likely benign (0 of 4 stars; one submission).

Conditions:
SCLT1-related disorder. Also called: SCLT1-related condition.

gnomAD v4.1: 4 of 1,522,652 alleles (0.00026%); highest among the groups gnomAD compares: African/African-American, 0.0055%; no homozygotes.

Submission:

PreventionGenetics, part of Exact Sciences
Classification: Likely benign for SCLT1-related condition. Last evaluated: 2024-08-07. Review status: no assertion criteria provided. Collection method: clinical testing. Allele origin: germline.
Comment: This variant is classified as likely benign based on ACMG/AMP sequence variant interpretation guidelines (Richards et al. 2015 PMID: 25741868, with internal and published modifications).

NM_144643.4(SCLT1):c.103-4A>G

Gene: SCLT1 (sodium channel and clathrin linker 1; minus strand). Cytogenetic location: 4q28.2.
Variant type: single nucleotide variant.
Coding change: c.103-4A>G on transcript NM_144643.4 (MANE Select); 4 bases into the intron before coding-DNA position 103, A replaced by G.
Molecular consequence: intron variant.
Genome position (GRCh38, 1-based): chr4:129,044,055, T>C on the plus strand (A>G on the coding strand, the complement: SCLT1 is on the minus strand). VCF-style: chr4-129044055-T-C. GRCh37 (hg19) VCF-style: chr4-129965210-T-C.
Other names: c.103-4A>G (NM_001410807.1, NM_001300898.2, NM_001300897.2).
Identifiers: ClinVar variation 3347559 (VCV003347559.1).